The following is an entry in ClinVar:

NM_201253.3(CRB1):c.3878+2dup

Gene: CRB1 (crumbs cell polarity complex component 1; plus strand). Cytogenetic location: 1q31.3.
Variant type: Duplication.
Coding change: c.3878+2dup on transcript NM_201253.3 (MANE Select); the canonical splice donor site of the intron after coding-DNA position 3878, one base duplicated (T; older notation c.3878+2dupT).
Molecular consequence: splice donor variant.
Genome position (GRCh38, 1-based): chr1:197,438,677, T duplicated. VCF-style (leftmost placement, unchanged base first): chr1-197438676-G-GT. GRCh37 (hg19) VCF-style: chr1-197407806-G-GT.
Other names: c.3806+2dup (NM_001257965.2); c.2270+2dup (NM_001257966.2); c.3542+2dup (NM_001193640.2).
Identifiers: ClinVar variation 865979 (VCV000865979.5), dbSNP rs1665282720, ClinGen allele CA916082100.

ClinVar aggregate classification (germline): Likely pathogenic. Review status: criteria provided, multiple submitters, no conflicts (2 of 4 stars). 2 submissions from 2 submitters: Likely pathogenic (2). Last evaluated 2023-10-25.

Conditions:
CRB1-related disorder. Also called: CRB1-related disorders; CRB1-related condition.
Retinitis pigmentosa 12 (RP12). Also called: RP WITH OR WITHOUT PPRPE; RP WITH OR WITHOUT PRESERVED PARAARTERIOLE RETINAL PIGMENT EPITHELIUM; RETINITIS PIGMENTOSA WITH OR WITHOUT PARAARTERIOLAR PRESERVATION OF RETINAL PIGMENT EPITHELIUM. Identifiers: Orphanet 791, MedGen C1838647, MONDO:0010818, OMIM 600105.
Leber congenital amaurosis 8 (LCA8). Identifiers: Orphanet 65, MedGen C3151202, MONDO:0013453, OMIM 613835.

Submissions (2):

Labcorp Genetics (formerly Invitae), Labcorp
Classification: Likely pathogenic for Leber congenital amaurosis 8; Retinitis pigmentosa 12. Last evaluated: 2023-10-25. Review status: criteria provided, single submitter. Criteria: Invitae Variant Classification Sherloc (09022015). Collection method: clinical testing. Allele origin: germline.
Comment: This sequence change falls in intron 10 of the CRB1 gene. It does not directly change the encoded amino acid sequence of the CRB1 protein. It affects a nucleotide within the consensus splice site. This variant is not present in population databases (gnomAD no frequency). This variant has been observed in individual(s) with retinitis pigmentosa (PMID: 23379534). In at least one individual the data is consistent with being in trans (on the opposite chromosome) from a pathogenic variant. It has also been observed to segregate with disease in related individuals. This variant is also known as c.3878+2insT. ClinVar contains an entry for this variant (Variation ID: 865979). Variants that disrupt the consensus splice site are a relatively common cause of aberrant splicing (PMID: 17576681, 9536098). Algorithms developed to predict the effect of sequence changes on RNA splicing suggest that this variant may disrupt the consensus splice site. In summary, the currently available evidence indicates that the variant is pathogenic, but additional data are needed to prove that conclusively. Therefore, this variant has been classified as Likely Pathogenic.

Blueprint Genetics
Classification: Likely pathogenic for CRB1-related disorders. Last evaluated: 2021-03-31. Review status: criteria provided, single submitter. Criteria: ACMG Guidelines, 2015. Collection method: clinical testing. Allele origin: germline. Affected: yes. Observed: 2 variant alleles.

Literature cited by the submitters: PubMed 23379534 (cited by Labcorp Genetics (formerly Invitae), Labcorp); PubMed 17576681 (cited by Labcorp Genetics (formerly Invitae), Labcorp); PubMed 9536098 (cited by Labcorp Genetics (formerly Invitae), Labcorp).